The following is an entry in ClinVar:

GRCh37/hg19 22q12.1-12.2(chr22:26614429-29847680)x1

Genes: AP1B1 (adaptor related protein complex 1 subunit beta 1; minus strand), ASPHD2 (aspartate beta-hydroxylase domain containing 2; plus strand), C22orf31 (chromosome 22 open reading frame 31; minus strand), CCDC117 (coiled-coil domain containing 117; plus strand), CHEK2 (checkpoint kinase 2; minus strand) and 22 more. Cytogenetic location: 22q12.1-12.2.
Variant type: copy number loss.
Change: copy number 1 (one copy instead of two) of chr22:26,614,429-29,847,680 (3.23 Mb, GRCh37 coordinates, 1-based), cytogenetic band 22q12.1-12.2.
Identifiers: ClinVar variation 1807757 (VCV001807757.1).

ClinVar aggregate classification (germline): Pathogenic (1 of 4 stars; one submission).

Submission:

Quest Diagnostics Nichols Institute San Juan Capistrano
Classification: Pathogenic. Last evaluated: 2021-09-02. Review status: criteria provided, single submitter. Criteria: ACMG/ClinGen CNV Guidelines, 2019. Collection method: clinical testing. Allele origin: unknown.
Comment: The copy number loss of 22q12.1q12.2 involves several protein-coding genes, including MN1 (OMIM 156100) and CRYBB1 (OMIM 600929), and is expected to cause phenotypic and/or developmental abnormalities. Deletions of 22q12.1 overlapping this region have been reported in individuals with variable neurodevelopmental and craniofacial anomalies, including cleft or high-arched palate, micro- and/or retrognathia, hypertelorism, low-set and/or dysplastic ears, hypoplastic corpus callosum, mild-to-moderate developmental delay, and intellectual disability with delayed speech (Breckpot 2016, Bosson 2016, Beck 2015). Haploinsufficiency of MN1 has been proposed as the main cause for the phenotypes of patients with 22q12.1 deletions (Beck 2015), a gene that has recently been associated with CEBALID syndrome (OMIM 618774; also known as MN1 C-terminal truncation syndrome), a complex autosomal dominant disorder with significant clinical overlap (Mak 2020). MN1 disruption has also been associated with autosomal dominant susceptibility to meningioma (OMIM 607174). Further, heterozygous and biallelic loss-of-function variants of CRYBB1 are associated with multiple types of cataracts with or without microcornea (OMIM 611544). References: Beck et al., Am J Med Genet A. 2015 May;167A(5):1047-53. PMID: 25810350. Bosson et al., Am J Med Genet A. 2016 Feb;170A(2):498-503. PMID: 26545049. Breckpot et al., Eur J Hum Genet. 2016 Jan;24(1):51-8. PMID: 25944382. Mak et al., Brain. 2020 Jan 1;143(1):55-68. PMID: 31834374. Stolarova et al., Cells. 2020 Dec 12;9(12):2675. PMID: 33322746